The following is an entry in ClinVar:

ClinVar aggregate classification (germline): Uncertain significance (1 of 4 stars; one submission).

Submission:

ARUP Laboratories, Molecular Genetics and Genomics, ARUP Laboratories
Classification: Uncertain significance. Last evaluated: 2018-03-06. Review status: criteria provided, single submitter. Criteria: ARUP Molecular Germline Variant Investigation Process. Collection method: clinical testing. Allele origin: germline.
Comment: The UBE3A c.707C>A; p.Ala236Glu variant, to our knowledge, is not reported in the medical literature or in gene-specific databases. This variant is also absent from general population databases (1000 Genomes Project, Exome Variant Server, and Genome Aggregation Database), indicating it is not a common polymorphism. The alanine at codon 236 is highly conserved, but computational algorithms (PolyPhen2: damaging, SIFT: tolerated) predict conflicting consequences of this variant on protein structure/function. Due to the limited information regarding this variant, its clinical significance cannot be determined with certainty.

NM_130839.5(UBE3A):c.767C>A (p.Ala256Glu)

Genes: SNHG14 (small nucleolar RNA host gene 14; plus strand), UBE3A (ubiquitin protein ligase E3A; minus strand). Cytogenetic location: 15q11.2.
Variant type: single nucleotide variant.
Coding change: c.767C>A on transcript NM_130839.5 (MANE Select); coding-DNA position 767, C replaced by A.
Protein change: p.Ala256Glu; replaces alanine 256 with glutamic acid.
Molecular consequence: missense variant. On other transcripts: non-coding transcript variant (1), intron variant (2).
Genome position (GRCh38, 1-based): chr15:25,371,407, G>T on the plus strand (C>A on the coding strand, the complement: UBE3A is on the minus strand). VCF-style: chr15-25371407-G-T. GRCh37 (hg19) VCF-style: chr15-25616554-G-T.
Other names: c.776C>A, p.Ala259Glu (NM_000462.5); c.767C>A, p.Ala256Glu (NM_001354505.1, NM_001354538.2, NM_001354545.2); c.707C>A, p.Ala236Glu (NM_001354506.2, NM_001354507.2, NM_001354508.2 and 17 more transcripts); c.590C>A, p.Ala197Glu (NM_001354546.2); c.301+4058C>A (NM_001354551.2); c.361+4058C>A (NM_001354550.2); short protein forms A236E, A197E, A256E, A259E.
Identifiers: ClinVar variation 618467 (VCV000618467.8), dbSNP rs1566960274, ClinGen allele CA391355116.
Genomic context (GRCh38, chr15:25,371,407, plus strand): 5'-CGAGAGTATACATTGTGATACGTCAAGTCACATTCCACGTTAGGTGACAAATATACAAGT[G>T]CATTGAGAAAGGCAGTTTCAATTTTTTCATTAGAGAGCAATCTGGTGTAGACCCTTCTAA-3'
Protein context (NP_570854.1, residues 246-266): NEKIETAFLN[Ala256Glu]LVYLSPNVEC